The following is an entry in ClinVar:

ClinVar aggregate classification (germline): Benign/Likely benign. Review status: criteria provided, multiple submitters, no conflicts (2 of 4 stars). 10 submissions from 10 submitters: Benign (7); Likely benign (3). Last evaluated 2026-05-11.

Conditions:
Connective tissue disorder. Also called: Connective tissue disease. Identifiers: MedGen C0009782, MONDO:0003900.
Epiphyseal dysplasia, multiple, 2 (EDM2). Also called: COL9A2-Related Multiple Epiphyseal Dysplasia. Identifiers: MedGen C1838429, MONDO:0010844, OMIM 600204.

Allele frequency attached by ClinVar (database versions not stated): gnomAD 0.00230 and 0.00248; ESP Exome Variant Server 0.00031; gnomAD exomes 0.00148 and 0.00667; TOPMed 0.00463; ExAC 0.00504; 1000 Genomes Project 0.00719; 1000 Genomes Project 30x 0.00859.
gnomAD v4.1: 2,521 of 1,614,028 alleles (0.16%); highest among the groups gnomAD compares: Admixed American, 3.9%; 77 homozygotes.

Submissions (10):

Women's Health and Genetics/Laboratory Corporation of America, LabCorp
Classification: Likely benign. Last evaluated: 2026-05-11. Review status: criteria provided, single submitter. Criteria: LabCorp Variant Classification Summary - May 2015. Collection method: clinical testing. Allele origin: germline.

Labcorp Genetics (formerly Invitae), Labcorp
Classification: Benign. Last evaluated: 2026-02-04. Review status: criteria provided, single submitter. Criteria: Invitae Variant Classification Sherloc (09022015). Collection method: clinical testing. Allele origin: germline.

ARUP Laboratories, Molecular Genetics and Genomics, ARUP Laboratories
Classification: Benign. Last evaluated: 2023-08-07. Review status: criteria provided, single submitter. Criteria: ARUP Molecular Germline Variant Investigation Process 2024. Collection method: clinical testing. Allele origin: germline.

Genome Diagnostics Laboratory, The Hospital for Sick Children
Classification: Benign for Connective tissue disorder. Last evaluated: 2021-07-28. Review status: criteria provided, single submitter. Criteria: ACMG Guidelines, 2015. Collection method: clinical testing. Allele origin: germline.

Athena Diagnostics
Classification: Benign. Last evaluated: 2018-08-30. Review status: criteria provided, single submitter. Criteria: Athena Diagnostics Criteria. Collection method: clinical testing. Allele origin: germline.

Illumina Laboratory Services, Illumina
Classification: Benign for Epiphyseal dysplasia, multiple, 2. Last evaluated: 2018-01-13. Review status: criteria provided, single submitter. Criteria: ICSL Variant Classification Criteria 13 December 2019. Collection method: clinical testing. Allele origin: germline.
Comment: This variant was observed in the ICSL laboratory as part of a predisposition screen in an ostensibly healthy population. It had not been previously curated by ICSL or reported in the Human Gene Mutation Database (HGMD: prior to June 1st, 2018), and was therefore a candidate for classification through an automated scoring system. Utilizing variant allele frequency, disease prevalence and penetrance estimates, and inheritance mode, an automated score was calculated to assess if this variant is too frequent to cause the disease. Based on the score and internal cut-off values, a variant classified as benign is not then subjected to further curation. The score for this variant resulted in a classification of benign for this disease.

GeneDx
Classification: Benign. Last evaluated: 2017-04-11. Review status: criteria provided, single submitter. Criteria: GeneDx Variant Classification (06012015). Collection method: clinical testing. Allele origin: germline. Affected: yes.
Comment: This variant is considered likely benign or benign based on one or more of the following criteria: it is a conservative change, it occurs at a poorly conserved position in the protein, it is predicted to be benign by multiple in silico algorithms, and/or has population frequency not consistent with disease.

Eurofins Ntd Llc (ga)
Classification: Benign. Last evaluated: 2015-09-29. Review status: criteria provided, single submitter. Criteria: EGL Classification Definitions 2015. Collection method: clinical testing. Allele origin: germline. Observed: 2 variant alleles, 2 heterozygotes.

Breakthrough Genomics
Classification: Likely benign. Review status: criteria provided, single submitter. Criteria: ACMG Guidelines, 2015. Collection method: not provided. Allele origin: germline. Inheritance: Autosomal recessive inheritance. Affected: yes.

PreventionGenetics, part of Exact Sciences
Classification: Likely benign. Review status: criteria provided, single submitter. Criteria: ACMG Guidelines, 2015. Collection method: clinical testing. Allele origin: germline.

Literature cited by the submitters: PubMed 29026132 (cited by Athena Diagnostics).

NM_001852.4(COL9A2):c.1981C>A (p.Pro661Thr)

Gene: COL9A2 (collagen type IX alpha 2 chain; minus strand). Cytogenetic location: 1p34.2.
Variant type: single nucleotide variant.
Coding change: c.1981C>A on transcript NM_001852.4 (MANE Select); coding-DNA position 1981, C replaced by A.
Protein change: p.Pro661Thr; replaces proline 661 with threonine.
Molecular consequence: missense variant.
Genome position (GRCh38, 1-based): chr1:40,301,271, G>T on the plus strand (C>A on the coding strand, the complement: COL9A2 is on the minus strand). VCF-style: chr1-40301271-G-T. GRCh37 (hg19) VCF-style: chr1-40766943-G-T.
Other names: short protein forms P661T.
Identifiers: ClinVar variation 258382 (VCV000258382.26), dbSNP rs140041506, ClinGen allele CA791263.